The following is an entry in ClinVar:

ClinVar aggregate classification (germline): Uncertain significance. Review status: criteria provided, multiple submitters, no conflicts (2 of 4 stars). 3 submissions from 3 submitters: Uncertain significance (3). Last evaluated 2023-11-14.

Conditions:
Cardiovascular phenotype. Identifiers: MedGen CN230736.

Allele frequency attached by ClinVar (database versions not stated): gnomAD exomes below 0.00001; gnomAD 0.00001; TOPMed 0.00002.
gnomAD v4.1: 2 of 1,555,242 alleles (0.00013%); highest among the groups gnomAD compares: African/African-American, 0.0014%; no homozygotes.

Submissions (3):

GeneDx
Classification: Uncertain significance. Last evaluated: 2023-11-14. Review status: criteria provided, single submitter. Criteria: GeneDx Variant Classification Process June 2021. Collection method: clinical testing. Allele origin: germline. Affected: yes.
Comment: Not observed at significant frequency in large population cohorts (gnomAD); In silico analysis supports that this missense variant does not alter protein structure/function; Has not been previously published as pathogenic or benign to our knowledge

Ambry Genetics
Classification: Uncertain significance for Cardiovascular phenotype. Last evaluated: 2022-12-04. Review status: criteria provided, single submitter. Criteria: Ambry Variant Classification Scheme 2023. Collection method: clinical testing. Allele origin: germline.
Comment: The p.A1879T variant (also known as c.5635G>A), located in coding exon 35 of the MYH6 gene, results from a G to A substitution at nucleotide position 5635. The alanine at codon 1879 is replaced by threonine, an amino acid with similar properties. This variant was not reported in population based cohorts in the following databases: Database of Single Nucleotide Polymorphisms (dbSNP), NHLBI Exome Sequencing Project (ESP), Exome Aggregation Consortium (ExAC) and 1000 Genomes Project. In the ESP, this variant was not observed in 6503 samples (13006 alleles) with coverage at this position. This amino acid position is not well conserved in available vertebrate species. In addition, this alteration is predicted to be tolerated by in silico analysis. Since supporting evidence is limited at this time, the clinical significance of this alteration remains unclear.

Breakthrough Genomics
Classification: Uncertain significance. Review status: criteria provided, single submitter. Criteria: ACMG Guidelines, 2015. Collection method: not provided. Allele origin: germline. Inheritance: Autosomal dominant inheritance. Affected: yes.

NM_002471.4(MYH6):c.5635G>A (p.Ala1879Thr)

Gene: MYH6 (myosin heavy chain 6; minus strand). Cytogenetic location: 14q11.2.
Variant type: single nucleotide variant.
Coding change: c.5635G>A on transcript NM_002471.4 (MANE Select); coding-DNA position 5635, G replaced by A.
Protein change: p.Ala1879Thr; replaces alanine 1879 with threonine.
Molecular consequence: missense variant.
Genome position (GRCh38, 1-based): chr14:23,383,251, C>T on the plus strand (G>A on the coding strand, the complement: MYH6 is on the minus strand). VCF-style: chr14-23383251-C-T. GRCh37 (hg19) VCF-style: chr14-23852460-C-T.
Other names: short protein forms A1879T.
Identifiers: ClinVar variation 519136 (VCV000519136.8), dbSNP rs1457647629, ClinGen allele CA388983116.
Genomic context (GRCh38, chr14:23,383,251, plus strand): 5'-GTTGATGAGAAAGGGAAGAAAGCTCTGAACTCACCGCCTCCTCGGCCTGGCGCTTGTAGG[C>T]CTTGACCTTCAGTTGCAGCTTGTCCACCAGGTCCTGTAGCCGCAGCAGGTTCTTTTTGTC-3'
Protein context (NP_002462.2, residues 1869-1889): LVDKLQLKVK[Ala1879Thr]YKRQAEEAEE